The following is an entry in ClinVar:

ClinVar aggregate classification (germline): Likely pathogenic (1 of 4 stars; one submission).

Submission:

Labcorp Genetics (formerly Invitae), Labcorp
Classification: Likely pathogenic. Last evaluated: 2023-10-25. Review status: criteria provided, single submitter. Criteria: Invitae Variant Classification Sherloc (09022015). Collection method: clinical testing. Allele origin: germline.
Comment: This sequence change affects an acceptor splice site in intron 11 of the CC2D1A gene. It is expected to disrupt RNA splicing. Variants that disrupt the donor or acceptor splice site typically lead to a loss of protein function (PMID: 16199547), and loss-of-function variants in CC2D1A are known to be pathogenic (PMID: 16033914). This variant is not present in population databases (gnomAD no frequency). This variant has not been reported in the literature in individuals affected with CC2D1A-related conditions. Algorithms developed to predict the effect of sequence changes on RNA splicing suggest that this variant may disrupt the consensus splice site. In summary, the currently available evidence indicates that the variant is pathogenic, but additional data are needed to prove that conclusively. Therefore, this variant has been classified as Likely Pathogenic.

Literature cited by the submitters: PubMed 16199547; PubMed 16033914.

NM_017721.5(CC2D1A):c.1223-1G>C

Gene: CC2D1A (coiled-coil and C2 domain containing 1A; plus strand). Cytogenetic location: 19p13.12.
Variant type: single nucleotide variant.
Coding change: c.1223-1G>C on transcript NM_017721.5 (MANE Select); the canonical splice acceptor site of the intron before coding-DNA position 1223, G replaced by C.
Molecular consequence: splice acceptor variant.
Genome position (GRCh38, 1-based): chr19:13,919,817, G>C. VCF-style: chr19-13919817-G-C. GRCh37 (hg19) VCF-style: chr19-14030630-G-C.
Other names: c.1223-1G>C (NM_001411138.1).
Identifiers: ClinVar variation 2771746 (VCV002771746.3), dbSNP rs2513099410, ClinGen allele CA404385403.